The following is an entry in ClinVar:

NM_030665.4(RAI1):c.2297C>A (p.Thr766Asn)

Gene: RAI1 (retinoic acid induced 1; plus strand). Cytogenetic location: 17p11.2.
Variant type: single nucleotide variant.
Coding change: c.2297C>A on transcript NM_030665.4 (MANE Select); coding-DNA position 2297, C replaced by A.
Protein change: p.Thr766Asn; replaces threonine 766 with asparagine.
Molecular consequence: missense variant.
Genome position (GRCh38, 1-based): chr17:17,795,245, C>A. VCF-style: chr17-17795245-C-A. GRCh37 (hg19) VCF-style: chr17-17698559-C-A.
Other names: short protein forms T766N.
Identifiers: ClinVar variation 2785176 (VCV002785176.3), dbSNP rs2508580598, ClinGen allele CA398550650.

ClinVar aggregate classification (germline): Uncertain significance (1 of 4 stars; one submission).

Submission:

Labcorp Genetics (formerly Invitae), Labcorp
Classification: Uncertain significance. Last evaluated: 2023-09-06. Review status: criteria provided, single submitter. Criteria: Invitae Variant Classification Sherloc (09022015). Collection method: clinical testing. Allele origin: germline.
Comment: In summary, the available evidence is currently insufficient to determine the role of this variant in disease. Therefore, it has been classified as a Variant of Uncertain Significance. Advanced modeling of protein sequence and biophysical properties (such as structural, functional, and spatial information, amino acid conservation, physicochemical variation, residue mobility, and thermodynamic stability) performed at Invitae indicates that this missense variant is not expected to disrupt RAI1 protein function. This variant has not been reported in the literature in individuals affected with RAI1-related conditions. This variant is not present in population databases (gnomAD no frequency). This sequence change replaces threonine, which is neutral and polar, with asparagine, which is neutral and polar, at codon 766 of the RAI1 protein (p.Thr766Asn).